The following is an entry in ClinVar:

ClinVar aggregate classification (germline): Uncertain significance (1 of 4 stars; one submission).

Conditions:
Polycystic kidney disease, adult type (PKD1). Also called: POLYCYSTIC KIDNEY DISEASE, ADULT, TYPE I; Polycystic Kidney Disease 1, Autosomal Dominant; Polycystic kidney disease 1; Polycystic kidney disease 1, severe; Polycystic Kidney, Autosomal Dominant; POLYCYSTIC KIDNEY DISEASE 1 WITH OR WITHOUT POLYCYSTIC LIVER DISEASE. Identifiers: MedGen C3149841, MONDO:0008263, OMIM 173900.

Submission:

Juno Genomics, Hangzhou Juno Genomics, Inc
Classification: Uncertain significance for Polycystic kidney disease, adult type. Review status: criteria provided, single submitter. Criteria: ACMG Guidelines, 2015. Collection method: clinical testing. Allele origin: germline. Affected: yes.
Comment: Absent from controls (or at extremely low frequency if recessive) in Genome Aggregation Database, Exome Sequencing Project, 1000 Genomes Project, or Exome Aggregation Consortium.;Protein length changes due to in-frame deletions/insertions in a non-repeat region or stop-loss variants.

NM_001009944.3(PKD1):c.9388_9393del (p.Arg3130_Gly3131del)

Gene: PKD1 (polycystin 1, transient receptor potential channel interacting; minus strand). Cytogenetic location: 16p13.3.
Variant type: Deletion.
Coding change: c.9388_9393del on transcript NM_001009944.3 (MANE Select); coding-DNA positions 9388 to 9393, 6 bases deleted (CGGGGC; older notation c.9388_9393delCGGGGC).
Protein change: p.Arg3130_Gly3131del.
Molecular consequence: inframe deletion. On other transcripts: inframe indel (1).
Genome position (GRCh38, 1-based): chr16:2,102,065-2,102,070, GCCCCG deleted on the plus strand (CGGGGC on the coding strand, the reverse complement: PKD1 is on the minus strand); deleting any 6 consecutive bases within chr16:2,102,065-2,102,075 gives the same sequence; the c. name uses the placement nearest the transcript's 3' end. VCF-style (leftmost placement, unchanged base first): chr16-2102064-AGCCCCG-A. GRCh37 (hg19) VCF-style: chr16-2152065-AGCCCCG-A.
Other names: c.9388_9393del, p.Arg3130_Gly3131del (NM_000296.4); c.9383_9388delGGGGCC, p.Arg3130_Gly3131del (NM_001009944.2).
Identifiers: ClinVar variation 3382945 (VCV003382945.2).